The following is an entry in ClinVar:

NM_001128178.3(NPHP1):c.845A>G (p.Gln282Arg)

Gene: NPHP1 (nephrocystin 1; minus strand). Cytogenetic location: 2q13.
Variant type: single nucleotide variant.
Coding change: c.845A>G on transcript NM_001128178.3 (MANE Select); coding-DNA position 845, A replaced by G.
Protein change: p.Gln282Arg; replaces glutamine 282 with arginine.
Molecular consequence: missense variant.
Genome position (GRCh38, 1-based): chr2:110,163,062, T>C on the plus strand (A>G on the coding strand, the complement: NPHP1 is on the minus strand). VCF-style: chr2-110163062-T-C. GRCh37 (hg19) VCF-style: chr2-110920639-T-C.
Other names: c.1013A>G, p.Gln338Arg (NM_000272.5); c.656A>G, p.Gln219Arg (NM_001128179.3); c.842A>G, p.Gln281Arg (NM_001374256.1); c.845A>G, p.Gln282Arg (NM_001374257.1); c.1010A>G, p.Gln337Arg (NM_207181.4); c.1013A>G (NM_000272.3); short protein forms Q338R, Q219R, Q282R, Q281R, Q337R.
Identifiers: ClinVar variation 2124322 (VCV002124322.5), dbSNP rs1209789319, ClinGen allele CA348090594.

ClinVar aggregate classification (germline): Uncertain significance. Review status: criteria provided, multiple submitters, no conflicts (2 of 4 stars). 2 submissions from 2 submitters: Uncertain significance (2). Last evaluated 2025-05-23.

Conditions:
NPHP1-related disorder. Also called: NPHP1-related condition; NPHP1-related disorders.
Nephronophthisis. Also called: Juvenile Nephronophthisis. Identifiers: Orphanet 655, MedGen C0687120, MONDO:0019005, HP:0000090.

Submissions (2):

PreventionGenetics, part of Exact Sciences
Classification: Uncertain significance for NPHP1-related condition. Last evaluated: 2025-05-23. Review status: criteria provided, single submitter. Criteria: ACMG Guidelines, 2015. Collection method: clinical testing. Allele origin: germline.
Comment: The NPHP1 c.1013A>G variant is predicted to result in the amino acid substitution p.Gln338Arg. To our knowledge, this variant has not been reported in the literature or in a large population database (gnomAD), indicating this variant is rare. At this time, the clinical significance of this variant is uncertain due to the absence of conclusive functional and genetic evidence.

Labcorp Genetics (formerly Invitae), Labcorp
Classification: Uncertain significance for Nephronophthisis. Last evaluated: 2022-11-01. Review status: criteria provided, single submitter. Criteria: Invitae Variant Classification Sherloc (09022015). Collection method: clinical testing. Allele origin: germline.
Comment: In summary, the available evidence is currently insufficient to determine the role of this variant in disease. Therefore, it has been classified as a Variant of Uncertain Significance. Advanced modeling of protein sequence and biophysical properties (such as structural, functional, and spatial information, amino acid conservation, physicochemical variation, residue mobility, and thermodynamic stability) performed at Invitae indicates that this missense variant is not expected to disrupt NPHP1 protein function. This variant has not been reported in the literature in individuals affected with NPHP1-related conditions. This variant is not present in population databases (gnomAD no frequency). This sequence change replaces glutamine, which is neutral and polar, with arginine, which is basic and polar, at codon 338 of the NPHP1 protein (p.Gln338Arg).